The following is an entry in ClinVar:

NM_001378454.1(ALMS1):c.12074G>A (p.Gly4025Asp)

Genes: ALMS1 (ALMS1 centrosome and basal body associated protein; plus strand), LOC126806252 (BRD4-independent group 4 enhancer GRCh37_chr2:73828496-73829695; plus strand). Cytogenetic location: 2p13.1.
Variant type: single nucleotide variant.
Coding change: c.12074G>A on transcript NM_001378454.1 (MANE Select); coding-DNA position 12074, G replaced by A.
Protein change: p.Gly4025Asp; replaces glycine 4025 with aspartic acid.
Molecular consequence: missense variant.
Genome position (GRCh38, 1-based): chr2:73,601,396, G>A. VCF-style: chr2-73601396-G-A. GRCh37 (hg19) VCF-style: chr2-73828523-G-A.
Other names: c.12077G>A, p.Gly4026Asp (NM_015120.4); short protein forms G4026D, G4025D.
Identifiers: ClinVar variation 964985 (VCV000964985.14), dbSNP rs199989044, ClinGen allele CA1715417.

ClinVar aggregate classification (germline): Conflicting classifications of pathogenicity. Review status: criteria provided, conflicting classifications (1 of 4 stars). 5 submissions from 5 submitters: Uncertain significance (3); Likely benign (1). 1 of the submissions does not count toward it. Last evaluated 2025-10-02.

Conditions:
Cardiovascular phenotype. Identifiers: MedGen CN230736.
Alstrom syndrome (ALMS). Identifiers: Orphanet 64, MedGen C0268425, MONDO:0008763, OMIM 203800.

Allele frequency attached by ClinVar (database versions not stated): gnomAD 0.00001; gnomAD exomes 0.00002; TOPMed 0.00002; ExAC 0.00003; ESP Exome Variant Server 0.00008.
gnomAD v4.1: 8 of 1,613,934 alleles (0.0005%); highest among the groups gnomAD compares: South Asian, 0.0011%; no homozygotes.

Submissions (5):

Ambry Genetics
Classification: Likely benign for Cardiovascular phenotype. Last evaluated: 2025-10-02. Review status: criteria provided, single submitter. Criteria: Ambry Variant Classification Scheme 2023. Collection method: clinical testing. Allele origin: germline.

GeneDx
Classification: Uncertain significance. Last evaluated: 2024-06-18. Review status: criteria provided, single submitter. Criteria: GeneDx Variant Classification Process June 2021. Collection method: clinical testing. Allele origin: germline. Affected: yes.
Comment: Not observed at significant frequency in large population cohorts (gnomAD); In silico analysis indicates that this missense variant does not alter protein structure/function; Has not been previously published as pathogenic or benign to our knowledge

Labcorp Genetics (formerly Invitae), Labcorp
Classification: Uncertain significance for Alstrom syndrome. Last evaluated: 2022-09-01. Review status: criteria provided, single submitter. Criteria: Invitae Variant Classification Sherloc (09022015). Collection method: clinical testing. Allele origin: germline.
Comment: This sequence change replaces glycine, which is neutral and non-polar, with aspartic acid, which is acidic and polar, at codon 4026 of the ALMS1 protein (p.Gly4026Asp). This variant is present in population databases (rs199989044, gnomAD 0.005%). This variant has not been reported in the literature in individuals affected with ALMS1-related conditions. ClinVar contains an entry for this variant (Variation ID: 964985). In summary, the available evidence is currently insufficient to determine the role of this variant in disease. Therefore, it has been classified as a Variant of Uncertain Significance.

Fulgent Genetics
Classification: Uncertain significance for Alstrom syndrome. Last evaluated: 2021-11-11. Review status: criteria provided, single submitter. Criteria: ACMG Guidelines, 2015. Collection method: clinical testing. Allele origin: unknown.

Natera, Inc.
Classification: Uncertain significance for Alstrom syndrome. Last evaluated: 2021-08-24. Review status: no assertion criteria provided. Collection method: clinical testing. Allele origin: germline. Not counted in ClinVar's aggregate classification.